The following is an entry in ClinVar:

NM_000204.5(CFI):c.1600G>A (p.Ala534Thr)

Gene: CFI (complement factor I; minus strand). Cytogenetic location: 4q25.
Variant type: single nucleotide variant.
Coding change: c.1600G>A on transcript NM_000204.5 (MANE Select); coding-DNA position 1600, G replaced by A.
Protein change: p.Ala534Thr; replaces alanine 534 with threonine.
Molecular consequence: missense variant. On other transcripts: 3 prime UTR variant (2), non-coding transcript variant (3), intron variant (7).
Genome position (GRCh38, 1-based): chr4:109,741,045, C>T on the plus strand (G>A on the coding strand, the complement: CFI is on the minus strand). VCF-style: chr4-109741045-C-T. GRCh37 (hg19) VCF-style: chr4-110662201-C-T.
Other names: c.1624G>A, p.Ala542Thr (NM_001318057.2); c.1579G>A, p.Ala527Thr (NM_001331035.2); c.1543G>A, p.Ala515Thr (NM_001375283.1); c.991G>A, p.Ala331Thr (NM_001375284.1); c.1621G>A, p.Ala541Thr (NM_001440986.1); c.*300G>A (NM_001440989.1, NM_001440991.1); c.1513+1446G>A (NM_001375282.1, NM_001375280.1); c.1534+1446G>A (NM_001375281.1, NM_001375279.1); and 2 more; short protein forms A331T, A515T, A527T, A534T, A541T, A542T.
Identifiers: ClinVar variation 4847191 (VCV004847191.1).

ClinVar aggregate classification (germline): Uncertain significance (1 of 4 stars; one submission).

gnomAD v4.1: 4 of 1,614,104 alleles (0.00025%); highest among the groups gnomAD compares: African/African-American, 0.0053%; no homozygotes.

Submission:

Women's Health and Genetics/Laboratory Corporation of America, LabCorp
Classification: Uncertain significance. Last evaluated: 2026-03-16. Review status: criteria provided, single submitter. Criteria: LabCorp Variant Classification Summary - May 2015. Collection method: clinical testing. Allele origin: germline.
Comment: Variant summary: CFI c.1600G>A (p.Ala534Thr) results in a non-conservative amino acid change in the encoded protein sequence. Algorithms developed to predict the effect of missense changes on protein structure and function are either unavailable or do not agree on the potential impact of this missense change. The variant was absent in 251378 control chromosomes. The available data on variant occurrences in the general population are insufficient to allow any conclusion about variant significance. To our knowledge, no occurrence of c.1600G>A in individuals affected with CFI-related conditions and no experimental evidence demonstrating its impact on protein function have been reported. No submitters have cited clinical-significance assessments for this variant to ClinVar. Based on the evidence outlined above, the variant was classified as uncertain significance.